The following is an entry in ClinVar:

NM_004333.6(BRAF):c.437G>A (p.Arg146Gln)

Gene: BRAF (B-Raf proto-oncogene, serine/threonine kinase; minus strand). Cytogenetic location: 7q34.
Variant type: single nucleotide variant.
Coding change: c.437G>A on transcript NM_004333.6 (MANE Select); coding-DNA position 437, G replaced by A.
Protein change: p.Arg146Gln; replaces arginine 146 with glutamine.
Molecular consequence: missense variant. On other transcripts: intron variant (1).
Genome position (GRCh38, 1-based): chr7:140,834,676, C>T on the plus strand (G>A on the coding strand, the complement: BRAF is on the minus strand). VCF-style: chr7-140834676-C-T. GRCh37 (hg19) VCF-style: chr7-140534476-C-T.
Other names: c.437G>A, p.Arg146Gln (NM_001354609.2, NM_001374244.1, NM_001374258.1 and 5 more transcripts); c.335G>A, p.Arg112Gln (NM_001378470.1); c.281G>A, p.Arg94Gln (NM_001378472.1, NM_001378473.1); c.240+15435G>A (NM_001378475.1); short protein forms R146Q, R112Q, R94Q.
Identifiers: ClinVar variation 372564 (VCV000372564.17), dbSNP rs557241012, ClinGen allele CA4516972.

ClinVar aggregate classification (germline): Conflicting classifications of pathogenicity. Review status: criteria provided, conflicting classifications (1 of 4 stars). 6 submissions from 6 submitters: Uncertain significance (5); Likely benign (1). Last evaluated 2025-09-24.

Conditions:
Cardiofaciocutaneous syndrome 1 (CFC1). Also called: BRAF-Related Cardiofaciocutaneous Syndrome. Identifiers: Orphanet 1340, MedGen CN029449, MONDO:0007265, OMIM 115150. Disease mechanism: gain of function.
Noonan syndrome 1 (NS1). Also called: TURNER PHENOTYPE WITH NORMAL KARYOTYPE; FEMALE PSEUDO-TURNER SYNDROME; PTPN11-Related Noonan Syndrome. Identifiers: Orphanet 648, MedGen C4551602, MONDO:0008104, OMIM 163950. Disease mechanism: gain of function.
LEOPARD syndrome 3 (LPRD3). Identifiers: Orphanet 500, MedGen C3150971, MONDO:0013380, OMIM 613707.
Noonan syndrome 7 (NS7). Also called: BRAF-Related Noonan Syndrome. Identifiers: Orphanet 648, MedGen C3150970, MONDO:0013379, OMIM 613706.
Lung carcinoma. Identifiers: MedGen C0684249, MONDO:0005138.
RASopathy. Also called: Noonan spectrum disorder; rasopathies. Identifiers: Orphanet 536391, MedGen C5555857, MONDO:0021060.

Allele frequency attached by ClinVar (database versions not stated): gnomAD 0.00001; gnomAD exomes 0.00001 and 0.00003; ExAC 0.00002; TOPMed 0.00003; 1000 Genomes Project 0.00020; 1000 Genomes Project 30x 0.00031.
gnomAD v4.1: 15 of 1,614,116 alleles (0.00093%); highest among the groups gnomAD compares: Admixed American, 0.013%; no homozygotes.

Submissions (6):

Labcorp Genetics (formerly Invitae), Labcorp
Classification: Uncertain significance for RASopathy. Last evaluated: 2025-09-24. Review status: criteria provided, single submitter. Criteria: Invitae Variant Classification Sherloc (09022015). Collection method: clinical testing. Allele origin: germline.
Comment: This sequence change replaces arginine, which is basic and polar, with glutamine, which is neutral and polar, at codon 146 of the BRAF protein (p.Arg146Gln). This variant is present in population databases (rs557241012, gnomAD 0.02%). This missense change has been observed in individual(s) with clinical features of Noonan syndrome and/or related conditions (PMID: 29907801). ClinVar contains an entry for this variant (Variation ID: 372564). Invitae Evidence Modeling incorporating data from in vitro experimental studies (internal data) indicates that this missense variant is not expected to disrupt BRAF function with a negative predictive value of 95%. In summary, the available evidence is currently insufficient to determine the role of this variant in disease. Therefore, it has been classified as a Variant of Uncertain Significance.

GeneDx
Classification: Likely benign. Last evaluated: 2021-04-26. Review status: criteria provided, single submitter. Criteria: GeneDx Variant Classification Process June 2021. Collection method: clinical testing. Allele origin: germline. Affected: yes.
Comment: Missense variants in this gene are often considered pathogenic (Stenson et al., 2014); In silico analysis supports that this missense variant does not alter protein structure/function; This variant is associated with the following publications: (PMID: 29907801, 30050098)

Baylor Genetics
Classification: Uncertain significance for Cardiofaciocutaneous syndrome 1. Last evaluated: 2020-06-26. Review status: criteria provided, single submitter. Criteria: ACMG Guidelines, 2015. Collection method: clinical testing. Allele origin: maternal. Affected: yes.
Comment: This variant was determined to be of uncertain significance according to ACMG Guidelines, 2015 [PMID:25741868].

Laboratory for Molecular Medicine, Mass General Brigham Personalized Medicine
Classification: Uncertain significance. Last evaluated: 2020-02-25. Review status: criteria provided, single submitter. Criteria: LMM Criteria. Collection method: clinical testing. Allele origin: germline. Observed: 1 variant allele.
Comment: The p.Arg146Gln variant in BRAF has been reported in at least one individual with Noonan syndrome and related conditions (Leach 2018), but has also been identified in 0.02% (7/34592) of Latino chromosomes by gnomAD. This variant has been reported as a variant of uncertain significance in ClinVar (Variation ID 372564). Computational prediction tools and conservation analyses do not provide strong support for or against an impact to the protein. In summary, the clinical significance of this variant is uncertain. ACMG/AMP Criteria applied: None.

Fulgent Genetics
Classification: Uncertain significance for Cardiofaciocutaneous syndrome 1; Noonan syndrome 1; Lung cancer; Noonan syndrome 7; LEOPARD syndrome 3. Last evaluated: 2018-10-31. Review status: criteria provided, single submitter. Criteria: ACMG Guidelines, 2015. Collection method: clinical testing. Allele origin: unknown.

Genetic Services Laboratory, University of Chicago
Classification: Uncertain significance. Last evaluated: 2017-10-05. Review status: criteria provided, single submitter. Criteria: ACMG Guidelines, 2015. Collection method: clinical testing. Allele origin: germline. Affected: no.

Literature cited by the submitters: PubMed 29907801 (cited by Labcorp Genetics (formerly Invitae), Labcorp and Laboratory for Molecular Medicine, Mass General Brigham Personalized Medicine).